The following is an entry in ClinVar:

NM_013247.5(HTRA2):c.341G>C (p.Gly114Ala)

Gene: HTRA2 (HtrA serine peptidase 2; plus strand). Cytogenetic location: 2p13.1.
Variant type: single nucleotide variant.
Coding change: c.341G>C on transcript NM_013247.5 (MANE Select); coding-DNA position 341, G replaced by C.
Protein change: p.Gly114Ala; replaces glycine 114 with alanine.
Molecular consequence: missense variant. On other transcripts: non-coding transcript variant (1).
Genome position (GRCh38, 1-based): chr2:74,530,347, G>C. VCF-style: chr2-74530347-G-C. GRCh37 (hg19) VCF-style: chr2-74757474-G-C.
Other names: c.341G>C, p.Gly114Ala (NM_001321727.1, NM_001321728.1, NM_145074.2); short protein forms G114A.
Identifiers: ClinVar variation 2975164 (VCV002975164.3), dbSNP rs753799539, ClinGen allele CA347377777.

ClinVar aggregate classification (germline): Uncertain significance (1 of 4 stars; one submission).

gnomAD v4.1: 3 of 1,592,260 alleles (0.00019%); highest among the groups gnomAD compares: South Asian, 0.0011%; no homozygotes.

Submission:

Labcorp Genetics (formerly Invitae), Labcorp
Classification: Uncertain significance. Last evaluated: 2024-01-22. Review status: criteria provided, single submitter. Criteria: Invitae Variant Classification Sherloc (09022015). Collection method: clinical testing. Allele origin: germline.
Comment: This sequence change replaces glycine, which is neutral and non-polar, with alanine, which is neutral and non-polar, at codon 114 of the HTRA2 protein (p.Gly114Ala). This variant is present in population databases (no rsID available, gnomAD 0.02%). This variant has not been reported in the literature in individuals affected with HTRA2-related conditions. Advanced modeling of protein sequence and biophysical properties (such as structural, functional, and spatial information, amino acid conservation, physicochemical variation, residue mobility, and thermodynamic stability) performed at Invitae indicates that this missense variant is not expected to disrupt HTRA2 protein function with a negative predictive value of 80%. In summary, the available evidence is currently insufficient to determine the role of this variant in disease. Therefore, it has been classified as a Variant of Uncertain Significance.